The following is an entry in ClinVar:

ClinVar aggregate classification (germline): Benign. Review status: criteria provided, multiple submitters, no conflicts (2 of 4 stars). 2 submissions from 2 submitters: Benign (2). Last evaluated 2018-06-14.

Allele frequency attached by ClinVar (database versions not stated): 1000 Genomes Project 0.53714; 1000 Genomes Project 30x 0.54544; gnomAD exomes 0.55864; TOPMed 0.65140; gnomAD 0.65248 and 0.66949.
gnomAD v4.1: 325,890 of 558,014 alleles (58%); highest among the groups gnomAD compares: African/African-American, 89%; 101,334 homozygotes.

Submissions (2):

GeneDx
Classification: Benign. Last evaluated: 2018-06-14. Review status: criteria provided, single submitter. Criteria: GeneDx Variant Classification (06012015). Collection method: clinical testing. Allele origin: germline. Affected: yes.
Comment: This variant is considered likely benign or benign based on one or more of the following criteria: it is a conservative change, it occurs at a poorly conserved position in the protein, it is predicted to be benign by multiple in silico algorithms, and/or has population frequency not consistent with disease.

Breakthrough Genomics
Classification: Benign. Review status: criteria provided, single submitter. Criteria: ACMG Guidelines, 2015. Collection method: not provided. Allele origin: germline. Inheritance: Autosomal recessive inheritance. Affected: yes.

NM_001349206.2(LPIN1):c.1806+203T>C

Gene: LPIN1 (lipin 1; plus strand). Cytogenetic location: 2p25.1.
Variant type: single nucleotide variant.
Coding change: c.1806+203T>C on transcript NM_001349206.2 (MANE Select); 203 bases into the intron after coding-DNA position 1806, T replaced by C.
Molecular consequence: intron variant.
Genome position (GRCh38, 1-based): chr2:11,792,209, T>C. VCF-style: chr2-11792209-T-C. GRCh37 (hg19) VCF-style: chr2-11932335-T-C.
Other names: c.1953+203T>C (NM_001261428.3); c.1845+203T>C (NM_001349208.2); c.1896+203T>C (NM_001349207.2); c.1716+203T>C (NM_001261427.3); c.1806+203T>C (NM_001349204.2, NM_001349205.2); c.1803+203T>C (NM_001349202.2, NM_001349203.2); c.1776+203T>C (NM_001349200.2, NM_001349201.2); c.1698+203T>C (NM_001349199.2, NM_145693.4).
Identifiers: ClinVar variation 683094 (VCV000683094.2), dbSNP rs7607755, ClinGen allele CA11179090.